The following is an entry in ClinVar:

ClinVar aggregate classification (germline): Uncertain significance. Review status: criteria provided, multiple submitters, no conflicts (2 of 4 stars). 3 submissions from 3 submitters: Uncertain significance (3). Last evaluated 2024-02-19.

Allele frequency attached by ClinVar (database versions not stated): gnomAD 0.00001; TOPMed below 0.00001; ExAC 0.00001; gnomAD exomes 0.00001.

Submissions (3):

Labcorp Genetics (formerly Invitae), Labcorp
Classification: Uncertain significance. Last evaluated: 2024-02-19. Review status: criteria provided, single submitter. Criteria: Invitae Variant Classification Sherloc (09022015). Collection method: clinical testing. Allele origin: germline.
Comment: This sequence change replaces glutamic acid, which is acidic and polar, with lysine, which is basic and polar, at codon 762 of the WHRN protein (p.Glu762Lys). This variant is present in population databases (rs757731586, gnomAD 0.004%). This variant has not been reported in the literature in individuals affected with WHRN-related conditions. ClinVar contains an entry for this variant (Variation ID: 930021). An algorithm developed to predict the effect of missense changes on protein structure and function (PolyPhen-2) suggests that this variant is likely to be disruptive. In summary, the available evidence is currently insufficient to determine the role of this variant in disease. Therefore, it has been classified as a Variant of Uncertain Significance.

Greenwood Genetic Center Diagnostic Laboratories, Greenwood Genetic Center
Classification: Uncertain significance. Last evaluated: 2021-02-11. Review status: criteria provided, single submitter. Criteria: ACMG Guidelines, 2015. Collection method: clinical testing. Allele origin: germline. Affected: yes.
Comment: PP3, PM2

Laboratory for Molecular Medicine, Mass General Brigham Personalized Medicine
Classification: Uncertain significance. Last evaluated: 2019-07-26. Review status: criteria provided, single submitter. Criteria: LMM Criteria. Collection method: clinical testing. Allele origin: germline. Observed: 1 variant allele.
Comment: The p.Glu762Lys variant in WHRN has not been previously reported in individuals with hearing loss or Usher syndrome, but has been identified in 0.003% (4/129012) of European chromosomes by gnomAD. Computational prediction tools and conservation analysis suggest that this variant may impact the protein, though this information is not predictive enough to determine pathogenicity. In summary, the clinical significance of this variant is uncertain. ACMG/AMP Criteria applied: PM2, PP3.

NM_015404.4(WHRN):c.2284G>A (p.Glu762Lys)

Gene: WHRN (whirlin; minus strand). Cytogenetic location: 9q32.
Variant type: single nucleotide variant.
Coding change: c.2284G>A on transcript NM_015404.4 (MANE Select); coding-DNA position 2284, G replaced by A.
Protein change: p.Glu762Lys; replaces glutamic acid 762 with lysine.
Molecular consequence: missense variant.
Genome position (GRCh38, 1-based): chr9:114,404,030, C>T on the plus strand (G>A on the coding strand, the complement: WHRN is on the minus strand). VCF-style: chr9-114404030-C-T. GRCh37 (hg19) VCF-style: chr9-117166310-C-T.
Other names: c.1135G>A, p.Glu379Lys (NM_001083885.3); c.2281G>A, p.Glu761Lys (NM_001173425.2); c.1231G>A, p.Glu411Lys (NM_001346890.1); short protein forms E379K, E762K, E761K, E411K.
Identifiers: ClinVar variation 930021 (VCV000930021.15), dbSNP rs757731586, ClinGen allele CA5205675.
Genomic context (GRCh38, chr9:114,404,030, plus strand): 5'-ACTGCCTTCCTCGGCCTGGGGCGCTGGCCTCTGCCTCGCCAGCATCCACACCACTGTCCT[C>T]GCTTAGAGTCTGCCCGCTGTCCGAGAGCTGGGAGAGCGTAGAGGCTGCTGGAGAGGGGAA-3'
Protein context (NP_056219.3, residues 752-772): QLSDSGQTLS[Glu762Lys]DSGVDAGEAE